The following is an entry in ClinVar:

NM_003872.3(NRP2):c.4G>A (p.Asp2Asn)

Gene: NRP2 (neuropilin 2; plus strand). Cytogenetic location: 2q33.3.
Variant type: single nucleotide variant.
Coding change: c.4G>A on transcript NM_003872.3 (MANE Select); coding-DNA position 4, G replaced by A.
Protein change: p.Asp2Asn; replaces aspartic acid 2 with asparagine.
Molecular consequence: missense variant.
Genome position (GRCh38, 1-based): chr2:205,683,294, G>A. VCF-style: chr2-205683294-G-A. GRCh37 (hg19) VCF-style: chr2-206548018-G-A.
Other names: c.4G>A, p.Asp2Asn (NM_018534.4, NM_201264.2, NM_201266.2 and 2 more transcripts); short protein forms D2N.
Identifiers: ClinVar variation 4559238 (VCV004559238.2).

ClinVar aggregate classification (germline): Uncertain significance. Review status: criteria provided, multiple submitters, no conflicts (2 of 4 stars). 2 submissions from 2 submitters: Uncertain significance (2). Last evaluated 2025-10-06.

Conditions:
NRP2-related disorder. Also called: NRP2-related condition.

gnomAD v4.1: 4 of 1,612,914 alleles (0.00025%); highest among the groups gnomAD compares: African/African-American, 0.004%; no homozygotes.

Submissions (2):

PreventionGenetics, part of Exact Sciences
Classification: Uncertain significance for NRP2-related condition. Last evaluated: 2025-10-06. Review status: criteria provided, single submitter. Criteria: ACMG Guidelines, 2015. Collection method: clinical testing. Allele origin: germline.
Comment: The NRP2 c.4G>A variant is predicted to result in the amino acid substitution p.Asp2Asn. To our knowledge, this variant has not been reported in the literature or in a large population database (gnomAD), indicating this variant is rare. At this time, the clinical significance of this variant is uncertain due to the absence of conclusive functional and genetic evidence.

Ambry Genetics
Classification: Uncertain significance. Last evaluated: 2025-09-22. Review status: criteria provided, single submitter. Criteria: Ambry Variant Classification Scheme 2023. Collection method: clinical testing. Allele origin: germline.